The following is an entry in ClinVar:

NM_005097.4(LGI1):c.553G>A (p.Val185Met)

Gene: LGI1 (leucine rich glioma inactivated 1; plus strand). Cytogenetic location: 10q23.33.
Variant type: single nucleotide variant.
Coding change: c.553G>A on transcript NM_005097.4 (MANE Select); coding-DNA position 553, G replaced by A.
Protein change: p.Val185Met; replaces valine 185 with methionine.
Molecular consequence: missense variant. On other transcripts: non-coding transcript variant (1).
Genome position (GRCh38, 1-based): chr10:93,792,792, G>A. VCF-style: chr10-93792792-G-A. GRCh37 (hg19) VCF-style: chr10-95552549-G-A.
Other names: c.553G>A (NM_005097.2); c.553G>A, p.Val185Met (NM_001308275.2); c.409G>A, p.Val137Met (NM_001308276.2); short protein forms V185M, V137M.
Identifiers: ClinVar variation 1047656 (VCV001047656.11), dbSNP rs1235699165, ClinGen allele CA377623330.

ClinVar aggregate classification (germline): Uncertain significance. Review status: criteria provided, multiple submitters, no conflicts (2 of 4 stars). 2 submissions from 2 submitters: Uncertain significance (2). Last evaluated 2026-04-06.

Conditions:
Inborn genetic diseases. Identifiers: MedGen C0950123, MeSH D030342.
Autosomal dominant epilepsy with auditory features. Identifiers: Orphanet 101046, MedGen C1838062, MONDO:0010898.

Submissions (2):

Ambry Genetics
Classification: Uncertain significance for Inborn genetic diseases. Last evaluated: 2026-04-06. Review status: criteria provided, single submitter. Criteria: Ambry Variant Classification Scheme 2023. Collection method: clinical testing. Allele origin: germline.

Labcorp Genetics (formerly Invitae), Labcorp
Classification: Uncertain significance for Autosomal dominant epilepsy with auditory features. Last evaluated: 2022-02-05. Review status: criteria provided, single submitter. Criteria: Invitae Variant Classification Sherloc (09022015). Collection method: clinical testing. Allele origin: germline.
Comment: This sequence change replaces valine, which is neutral and non-polar, with methionine, which is neutral and non-polar, at codon 185 of the LGI1 protein (p.Val185Met). This variant is not present in population databases (gnomAD no frequency). This variant has not been reported in the literature in individuals affected with LGI1-related conditions. ClinVar contains an entry for this variant (Variation ID: 1047656). Algorithms developed to predict the effect of missense changes on protein structure and function are either unavailable or do not agree on the potential impact of this missense change (SIFT: "Deleterious"; PolyPhen-2: "Probably Damaging"; Align-GVGD: "Class C15"). In summary, the available evidence is currently insufficient to determine the role of this variant in disease. Therefore, it has been classified as a Variant of Uncertain Significance.